The following is an entry in ClinVar:

NM_001854.4(COL11A1):c.3179_3181del (p.Gly1060del)

Gene: COL11A1 (collagen type XI alpha 1 chain; minus strand). Cytogenetic location: 1p21.1.
Variant type: Deletion.
Coding change: c.3179_3181del on transcript NM_001854.4 (MANE Select); coding-DNA positions 3179 to 3181, 3 bases deleted (GAG; older notation c.3179_3181delGAG).
Protein change: p.Gly1060del; deletes glycine 1060.
Molecular consequence: inframe deletion. On other transcripts: non-coding transcript variant (1), inframe indel (1).
Genome position (GRCh38, 1-based): chr1:102,946,944-102,946,946, CTC deleted on the plus strand (GAG on the coding strand, the reverse complement: COL11A1 is on the minus strand); deleting any 3 consecutive bases within chr1:102,946,944-102,946,948 gives the same sequence; the c. name uses the placement nearest the transcript's 3' end. VCF-style (leftmost placement, unchanged base first): chr1-102946943-TCTC-T. GRCh37 (hg19) VCF-style: chr1-103412499-TCTC-T.
Other names: c.2831_2833del, p.Gly944del (NM_080630.4); c.2829_2831delAGG, p.Gly944del (NM_001168249.1); c.3062_3064del, p.Gly1021del (NM_001190709.2); c.3215_3217del, p.Gly1072del (NM_080629.3); short protein forms G1072del, G944del, G1021del, G1060del.
Identifiers: ClinVar variation 2891781 (VCV002891781.3), dbSNP rs1425097423, ClinGen allele CA884748952.

ClinVar aggregate classification (germline): Uncertain significance (1 of 4 stars; one submission).

Submission:

Labcorp Genetics (formerly Invitae), Labcorp
Classification: Uncertain significance. Last evaluated: 2025-02-04. Review status: criteria provided, single submitter. Criteria: Invitae Variant Classification Sherloc (09022015). Collection method: clinical testing. Allele origin: germline.
Comment: This variant, c.3179_3181del, results in the deletion of 1 amino acid(s) of the COL11A1 protein (p.Gly1060del), but otherwise preserves the integrity of the reading frame. This variant is not present in population databases (gnomAD no frequency). This variant has not been reported in the literature in individuals affected with COL11A1-related conditions. ClinVar contains an entry for this variant (Variation ID: 2891781). Experimental studies and prediction algorithms are not available or were not evaluated, and the functional significance of this variant is currently unknown. In summary, the available evidence is currently insufficient to determine the role of this variant in disease. Therefore, it has been classified as a Variant of Uncertain Significance.